The following is an entry in ClinVar:

ClinVar aggregate classification (germline): Uncertain significance (1 of 4 stars; one submission).

Submission:

GeneDx
Classification: Uncertain significance. Last evaluated: 2024-04-16. Review status: criteria provided, single submitter. Criteria: GeneDx Variant Classification Process June 2021. Collection method: clinical testing. Allele origin: germline. Affected: yes.
Comment: In-frame deletion of 1 amino acid in a non-repeat region; In silico analysis supports a deleterious effect on protein structure/function; Has not been previously published as pathogenic or benign to our knowledge

NM_006885.4(ZFHX3):c.7901GAG[1] (p.Gly2635del)

Genes: ZFHX3 (zinc finger homeobox 3; minus strand), ZFHX3-AS1 (ZFHX3 antisense RNA 1; plus strand). Cytogenetic location: 16q22.2.
Variant type: Microsatellite.
Coding change: c.7901GAG[1] on transcript NM_006885.4 (MANE Select); one copy of the 3-base unit GAG starting at c.7901; the reference has two copies in a row; one copy, 3 bases deleted.
Protein change: p.Gly2635del; deletes glycine 2635.
Genome position (GRCh38, 1-based): chr16:72,794,776-72,794,778, CTC deleted on the plus strand (GAG on the coding strand, the reverse complement: ZFHX3 is on the minus strand); deleting any 3 consecutive bases within chr16:72,794,776-72,794,783 gives the same sequence; the position shown is the placement nearest the transcript's 3' end. VCF-style (leftmost placement, unchanged base first): chr16-72794775-TCTC-T. GRCh37 (hg19) VCF-style: chr16-72828674-TCTC-T.
Other names: c.5159GAG[1], p.Gly1721del (NM_001164766.2); c.7901GAG[1], p.Gly2635del (NM_001386735.1); short protein forms G1721del, G2635del.
Identifiers: ClinVar variation 3365752 (VCV003365752.1).